The following is an entry in ClinVar:

ClinVar aggregate classification (germline): Uncertain significance. Review status: criteria provided, multiple submitters, no conflicts (2 of 4 stars). 2 submissions from 2 submitters: Uncertain significance (2). Last evaluated 2026-01-31.

gnomAD v4.1: 1 of 1,613,502 alleles (0.000062%); highest among the groups gnomAD compares: Non-Finnish European, 0.000085%; no homozygotes.

Submissions (2):

GeneDx
Classification: Uncertain significance. Last evaluated: 2026-01-31. Review status: criteria provided, single submitter. Criteria: GeneDx Variant Classification Process June 2021. Collection method: clinical testing. Allele origin: germline.
Comment: Not observed at significant frequency in large population cohorts (gnomAD); In silico analysis supports that this missense variant has a deleterious effect on protein structure/function; Has not been previously published as pathogenic or benign to our knowledge

Women's Health and Genetics/Laboratory Corporation of America, LabCorp
Classification: Uncertain significance. Last evaluated: 2025-06-27. Review status: criteria provided, single submitter. Criteria: LabCorp Variant Classification Summary - May 2015. Collection method: clinical testing. Allele origin: germline.
Comment: Variant summary: SMAD2 c.1009C>T (p.Arg337Cys) results in a non-conservative amino acid change in the encoded protein sequence. Algorithms developed to predict the effect of missense changes on protein structure and function all suggest that this variant is likely to be disruptive. The variant was absent in 251196 control chromosomes. The available data on variant occurrences in the general population are insufficient to allow any conclusion about variant significance. To our knowledge, no occurrence of c.1009C>T in individuals affected with Loeys-Dietz Syndrome and no experimental evidence demonstrating its impact on protein function have been reported. No submitters have cited clinical-significance assessments for this variant to ClinVar. Based on the evidence outlined above, the variant was classified as uncertain significance.

NM_005901.6(SMAD2):c.1009C>T (p.Arg337Cys)

Gene: SMAD2 (SMAD family member 2; minus strand). Cytogenetic location: 18q21.1.
Variant type: single nucleotide variant.
Coding change: c.1009C>T on transcript NM_005901.6 (MANE Select); coding-DNA position 1009, C replaced by T.
Protein change: p.Arg337Cys; replaces arginine 337 with cysteine.
Molecular consequence: missense variant.
Genome position (GRCh38, 1-based): chr18:47,845,789, G>A on the plus strand (C>T on the coding strand, the complement: SMAD2 is on the minus strand). VCF-style: chr18-47845789-G-A. GRCh37 (hg19) VCF-style: chr18-45372160-G-A.
Other names: c.1009C>T, p.Arg337Cys (NM_001003652.4); c.919C>T, p.Arg307Cys (NM_001135937.3); c.1009C>T (NM_005901.5); short protein forms R307C, R337C.
Identifiers: ClinVar variation 3907320 (VCV003907320.3).